The following is an entry in ClinVar:

NM_000548.5(TSC2):c.5028G>A (p.Leu1676=)

Genes: PKD1 (polycystin 1, transient receptor potential channel interacting; minus strand), TSC2 (TSC complex subunit 2; plus strand). Cytogenetic location: 16p13.3.
Variant type: single nucleotide variant.
Coding change: c.5028G>A on transcript NM_000548.5 (MANE Select); coding-DNA position 5028, G replaced by A.
Protein change: p.Leu1676=; no amino-acid change (leucine 1676 retained).
Molecular consequence: synonymous variant.
Genome position (GRCh38, 1-based): chr16:2,087,901, G>A. VCF-style: chr16-2087901-G-A. GRCh37 (hg19) VCF-style: chr16-2137902-G-A.
Other names: p.L1676L:CTG>CTA; c.4827G>A, p.Leu1609= (NM_001077183.3); c.4959G>A, p.Leu1653= (NM_001114382.3); c.4719G>A, p.Leu1573= (NM_001318827.2); c.4683G>A, p.Leu1561= (NM_001318829.2); c.4296G>A, p.Leu1432= (NM_001318831.2); c.4860G>A, p.Leu1620= (NM_001318832.2); c.4830G>A, p.Leu1610= (NM_001363528.2); and 3 more.
Identifiers: ClinVar variation 50004 (VCV000050004.60), dbSNP rs45475501, ClinGen allele CA021550.
Genomic context (GRCh38, chr16:2,087,901, plus strand): 5'-ACCCTTTCTCTTGTCCGGGCAGGGCCAGTTCAACTTTGTCCACGTGATCGTCACCCCGCT[G>A]GACTACGAGTGCAACCTGGTGTCCCTGCAGTGCAGGAAAGGTAGGGCCGGGTGGGGCCCT-3'
Protein context (NP_000539.2, residues 1666-1686): FNFVHVIVTP[Leu1676=]DYECNLVSLQ

ClinVar aggregate classification (germline): Conflicting classifications of pathogenicity. Review status: criteria provided, conflicting classifications (1 of 4 stars). 19 submissions from 18 submitters: Uncertain significance (1); Benign (11); Likely benign (6). 1 of the submissions does not count toward it. Last evaluated 2026-09-01.

Conditions:
Hereditary cancer-predisposing syndrome. Also called: Neoplastic Syndromes, Hereditary; Tumor predisposition; Hereditary Cancer Syndrome; Hereditary neoplastic syndrome. Identifiers: Orphanet 140162, MedGen C0027672, MeSH D009386, MONDO:0015356.
Tuberous sclerosis syndrome (TSC). Also called: Tuberous Sclerosis Complex; Tuberous sclerosis. Identifiers: Orphanet 805, MedGen C0041341, MONDO:0001734.
Polycystic kidney disease, adult type (PKD1). Also called: Polycystic Kidney, Autosomal Dominant; POLYCYSTIC KIDNEY DISEASE 1 WITH OR WITHOUT POLYCYSTIC LIVER DISEASE; POLYCYSTIC KIDNEY DISEASE, ADULT, TYPE I; Polycystic Kidney Disease 1, Autosomal Dominant; Polycystic kidney disease 1; Polycystic kidney disease 1, severe. Identifiers: MedGen C3149841, MONDO:0008263, OMIM 173900.
Tuberous sclerosis 2 (TSC2). Identifiers: Orphanet 805, MedGen C1860707, MONDO:0013199, OMIM 613254.

Allele frequency attached by ClinVar (database versions not stated): ESP Exome Variant Server 0.00046; ExAC 0.00050; 1000 Genomes Project 30x 0.00016; 1000 Genomes Project 0.00020; gnomAD 0.00026 and 0.00030; TOPMed 0.00036; gnomAD exomes 0.00041 and 0.00042.
gnomAD v4.1: 640 of 1,611,748 alleles (0.04%); highest among the groups gnomAD compares: East Asian, 0.32%; 2 homozygotes.

Submissions (19):

CeGaT Center for Human Genetics Tuebingen
Classification: Likely benign. Last evaluated: 2026-09-01. Review status: criteria provided, single submitter. Criteria: CeGaT Center For Human Genetics Tuebingen Variant Classification Criteria Version 2. Collection method: clinical testing. Allele origin: germline. Affected: yes. Observed: 14 variant alleles.
Comment: TSC2: BP4, BP7

Labcorp Genetics (formerly Invitae), Labcorp
Classification: Benign for Tuberous sclerosis 2. Last evaluated: 2026-02-01. Review status: criteria provided, single submitter. Criteria: Invitae Variant Classification Sherloc (09022015). Collection method: clinical testing. Allele origin: germline.

Myriad Genetics, Inc.
Classification: Benign for Tuberous sclerosis 2. Last evaluated: 2025-06-05. Review status: criteria provided, single submitter. Criteria: Myriad Autosomal Dominant, Autosomal Recessive and X-Linked Classification Criteria (2023). Collection method: clinical testing. Allele origin: unknown.
Comment: This variant is considered benign. This variant is a silent/synonymous amino acid change and it is not expected to impact splicing.

Quest Diagnostics Nichols Institute San Juan Capistrano
Classification: Benign. Last evaluated: 2025-06-02. Review status: criteria provided, single submitter. Criteria: Quest Diagnostics criteria. Collection method: clinical testing. Allele origin: unknown.

KCCC/NGS Laboratory, Kuwait Cancer Control Center
Classification: Benign for Polycystic kidney disease, adult type. Last evaluated: 2025-02-01. Review status: criteria provided, single submitter. Criteria: ACMG Guidelines, 2015. Collection method: clinical testing. Allele origin: germline. Affected: no.

Blueprint Genetics
Classification: Likely benign. Last evaluated: 2024-11-20. Review status: criteria provided, single submitter. Criteria: ACMG Guidelines, 2015. Collection method: clinical testing. Allele origin: germline.

All of Us Research Program, National Institutes of Health
Classification: Benign for Tuberous sclerosis syndrome. Last evaluated: 2023-12-18. Review status: criteria provided, single submitter. Criteria: ACMG Guidelines, 2015. Collection method: clinical testing. Allele origin: germline. Inheritance: Autosomal dominant inheritance. Observed: 93 variant alleles, 93 heterozygotes.
Comment: This study involves interpretation of variants in research participants for the purpose of population health screening. Participant phenotype was not available at the time of variant classification. Additional details can be found in publication PMID: 35346344, PMCID: PMC8962531

KCCC/NGS Laboratory, Kuwait Cancer Control Center
Classification: Benign for Tuberous sclerosis 2. Last evaluated: 2023-07-07. Review status: criteria provided, single submitter. Criteria: ACMG Guidelines, 2015. Collection method: clinical testing. Allele origin: germline. Affected: yes.

Women's Health and Genetics/Laboratory Corporation of America, LabCorp
Classification: Benign. Last evaluated: 2023-02-25. Review status: criteria provided, single submitter. Criteria: LabCorp Variant Classification Summary - May 2015. Collection method: clinical testing. Allele origin: germline.

Color Diagnostics, LLC DBA Color Health
Classification: Benign for Tuberous sclerosis syndrome. Last evaluated: 2022-09-30. Review status: criteria provided, single submitter. Criteria: ACMG Guidelines, 2015. Collection method: clinical testing. Allele origin: germline.

Genome-Nilou Lab
Classification: Benign for Tuberous sclerosis 2. Last evaluated: 2021-11-07. Review status: criteria provided, single submitter. Criteria: ACMG Guidelines, 2015. Collection method: clinical testing. Allele origin: germline. Affected: no.

Sema4
Classification: Benign for Hereditary cancer-predisposing syndrome. Last evaluated: 2021-03-05. Review status: criteria provided, single submitter. Criteria: Sema4 Curation Guidelines. Collection method: curation. Allele origin: germline.

Division of Genomic Medicine, Department of Advanced Medicine, Medical Research Institute, Kanazawa Medical University
Classification: Likely benign for Tuberous sclerosis 2. Last evaluated: 2020-07-10. Review status: criteria provided, single submitter. Criteria: ACMG Guidelines, 2015. Collection method: clinical testing. Allele origin: germline. Affected: yes. Observed: 2 variant alleles.

Baylor Genetics
Classification: Uncertain significance for Tuberous sclerosis 2. Last evaluated: 2018-01-18. Review status: criteria provided, single submitter. Criteria: ACMG Guidelines, 2015. Collection method: clinical testing. Allele origin: paternal. Affected: yes.
Comment: This variant was determined to be of uncertain significance according to ACMG Guidelines, 2015 [PMID:25741868].

Eurofins Ntd Llc (ga)
Classification: Likely benign. Last evaluated: 2016-06-06. Review status: criteria provided, single submitter. Criteria: EGL Classification Definitions 2015. Collection method: clinical testing. Allele origin: germline. Observed: 1 variant allele, 1 heterozygote.

Ambry Genetics
Classification: Likely benign for Hereditary cancer-predisposing syndrome. Last evaluated: 2014-12-15. Review status: criteria provided, single submitter. Criteria: Ambry Variant Classification Scheme 2023. Collection method: clinical testing. Allele origin: germline.

GeneDx
Classification: Benign. Last evaluated: 2014-07-21. Review status: criteria provided, single submitter. Criteria: GeneDx Variant Classification (06012015). Collection method: clinical testing. Allele origin: germline. Affected: yes.
Comment: This variant is considered likely benign or benign based on one or more of the following criteria: it is a conservative change, it occurs at a poorly conserved position in the protein, it is predicted to be benign by multiple in silico algorithms, and/or has population frequency not consistent with disease.

PreventionGenetics, part of Exact Sciences
Classification: Likely benign. Review status: criteria provided, single submitter. Criteria: ACMG Guidelines, 2015. Collection method: clinical testing. Allele origin: germline.

Tuberous sclerosis database (TSC2)
No classification provided. Condition: TSC. Review status: no classification provided. Criteria: Tuberous Sclerosis Database Assertion Criteria 2015. Collection method: curation. Allele origin: germline. Affected: yes. Not counted in ClinVar's aggregate classification.